The following is an entry in ClinVar:

NM_133259.4(LRPPRC):c.205C>G (p.Gln69Glu)

Gene: LRPPRC (leucine rich pentatricopeptide repeat containing; minus strand). Cytogenetic location: 2p21.
Variant type: single nucleotide variant.
Coding change: c.205C>G on transcript NM_133259.4 (MANE Select); coding-DNA position 205, C replaced by G.
Protein change: p.Gln69Glu; replaces glutamine 69 with glutamic acid.
Molecular consequence: missense variant.
Genome position (GRCh38, 1-based): chr2:43,982,379, G>C on the plus strand (C>G on the coding strand, the complement: LRPPRC is on the minus strand). VCF-style: chr2-43982379-G-C. GRCh37 (hg19) VCF-style: chr2-44209518-G-C.
Other names: short protein forms Q69E.
Identifiers: ClinVar variation 2577755 (VCV002577755.1), dbSNP rs776095587, ClinGen allele CA1639438.

ClinVar aggregate classification (germline): Uncertain significance (1 of 4 stars; one submission).

Allele frequency attached by ClinVar (database versions not stated): ExAC 0.00001; gnomAD exomes 0.00001; gnomAD 0.00005; TOPMed 0.00005.
gnomAD v4.1: 11 of 1,613,812 alleles (0.00068%); highest among the groups gnomAD compares: African/African-American, 0.015%; no homozygotes.

Submission:

GeneDx
Classification: Uncertain significance. Last evaluated: 2023-02-24. Review status: criteria provided, single submitter. Criteria: GeneDx Variant Classification Process June 2021. Collection method: clinical testing. Allele origin: germline. Affected: yes.
Comment: Not observed at significant frequency in large population cohorts (gnomAD); In silico analysis supports that this missense variant does not alter protein structure/function; Has not been previously published as pathogenic or benign to our knowledge